The following is an entry in ClinVar:

ClinVar aggregate classification (germline): Likely benign. Review status: criteria provided, multiple submitters, no conflicts (2 of 4 stars). 2 submissions from 2 submitters: Likely benign (2). Last evaluated 2023-06-08.

Conditions:
Malignant hyperthermia, susceptibility to, 1 (MHS1). Also called: Malignant hyperthermia suceptibility 1; Anesthesia related hyperthermia; Malignant hyperpyrexia; Fulminating hyperpyrexia; Pharmacogenic myopathy; RYR1-Related Malignant Hyperthermia Susceptibility. Identifiers: Orphanet 423, MedGen C2930980, MONDO:0007783, OMIM 145600.

Submissions (2):

All of Us Research Program, National Institutes of Health
Classification: Likely benign for Malignant hyperthermia, susceptibility to, 1. Last evaluated: 2023-06-08. Review status: criteria provided, single submitter. Criteria: ACMG Guidelines, 2015. Collection method: clinical testing. Allele origin: germline. Inheritance: Autosomal dominant inheritance. Observed: 1 variant allele, 1 heterozygote.
Comment: This study involves interpretation of variants in research participants for the purpose of population health screening. Participant phenotype was not available at the time of variant classification. Additional details can be found in publication PMID: 35346344, PMCID: PMC8962531

Color Diagnostics, LLC DBA Color Health
Classification: Likely benign for Malignant hyperthermia, susceptibility to, 1. Last evaluated: 2023-01-13. Review status: criteria provided, single submitter. Criteria: ACMG Guidelines, 2015. Collection method: clinical testing. Allele origin: germline.

NM_000540.3(RYR1):c.7028-5G>A

Gene: RYR1 (ryanodine receptor 1; plus strand). Cytogenetic location: 19q13.2.
Variant type: single nucleotide variant.
Coding change: c.7028-5G>A on transcript NM_000540.3 (MANE Select); 5 bases into the intron before coding-DNA position 7028, G replaced by A.
Molecular consequence: intron variant.
Genome position (GRCh38, 1-based): chr19:38,499,630, G>A. VCF-style: chr19-38499630-G-A. GRCh37 (hg19) VCF-style: chr19-38990270-G-A.
Other names: c.7028-5G>A (NM_001042723.2).
Identifiers: ClinVar variation 2774220 (VCV002774220.3), dbSNP rs2514311708, ClinGen allele CA082305.